The following is an entry in ClinVar:

NM_001105562.3(UBE4B):c.3534C>T (p.Tyr1178=)

Gene: UBE4B (ubiquitination factor E4B; plus strand). Cytogenetic location: 1p36.22.
Variant type: single nucleotide variant.
Coding change: c.3534C>T on transcript NM_001105562.3 (MANE Select); coding-DNA position 3534, C replaced by T.
Protein change: p.Tyr1178=; no amino-acid change (tyrosine 1178 retained).
Molecular consequence: synonymous variant.
Genome position (GRCh38, 1-based): chr1:10,178,652, C>T. VCF-style: chr1-10178652-C-T. GRCh37 (hg19) VCF-style: chr1-10238710-C-T.
Other names: c.3687C>T, p.Tyr1229= (NM_001410744.1); c.3147C>T, p.Tyr1049= (NM_006048.5).
Identifiers: ClinVar variation 4822120 (VCV004822120.4).

ClinVar aggregate classification (germline): Likely benign (1 of 4 stars; one submission).

gnomAD v4.1: 8 of 1,608,708 alleles (0.0005%); highest among the groups gnomAD compares: Non-Finnish European, 0.00068%; no homozygotes.

Submission:

CeGaT Center for Human Genetics Tuebingen
Classification: Likely benign. Last evaluated: 2026-01-01. Review status: criteria provided, single submitter. Criteria: CeGaT Center For Human Genetics Tuebingen Variant Classification Criteria Version 2. Collection method: clinical testing. Allele origin: germline. Affected: yes. Observed: 1 variant allele.
Comment: UBE4B: BP4, BP7